The following is an entry in ClinVar:

NM_001244008.2(KIF1A):c.2150T>C (p.Leu717Pro)

Gene: KIF1A (kinesin family member 1A; minus strand). Cytogenetic location: 2q37.3.
Variant type: single nucleotide variant.
Coding change: c.2150T>C on transcript NM_001244008.2 (MANE Select); coding-DNA position 2150, T replaced by C.
Protein change: p.Leu717Pro; replaces leucine 717 with proline.
Molecular consequence: missense variant.
Genome position (GRCh38, 1-based): chr2:240,761,344, A>G on the plus strand (T>C on the coding strand, the complement: KIF1A is on the minus strand). VCF-style: chr2-240761344-A-G. GRCh37 (hg19) VCF-style: chr2-241700761-A-G.
Other names: c.2150T>C, p.Leu717Pro (NM_001320705.2, NM_001330289.2, NM_001379638.1); c.2225T>C, p.Leu742Pro (NM_001330290.2, NM_001379631.1, NM_001379634.1 and 2 more transcripts); c.2123T>C, p.Leu708Pro (NM_001379632.1, NM_001379633.1, NM_001379636.1 and 10 more transcripts); c.2198T>C, p.Leu733Pro (NM_001379637.1, NM_001379648.1); short protein forms L717P, L742P, L708P, L733P.
Identifiers: ClinVar variation 1509662 (VCV001509662.6), dbSNP rs2125894495, ClinGen allele CA351325565.

ClinVar aggregate classification (germline): Uncertain significance (1 of 4 stars; one submission).

Conditions:
Hereditary spastic paraplegia 30. Identifiers: Orphanet 101010, MedGen C5235139, MONDO:0012476.
Neuropathy, hereditary sensory, type 2C. Also called: KIF1A-Related HSAN2 (HSAN2C); Hereditary sensory and autonomic neuropathy type IIC. Identifiers: Orphanet 970, MedGen C3280168, MONDO:0013634, OMIM 614213.
Intellectual disability, autosomal dominant 9 (NESCAVS). Also called: KIF1A-Related Neurodevelopmental Disorder; NESCAV SYNDROME. Identifiers: Orphanet 662367, MedGen C5393830, MONDO:0013656, OMIM 614255.

Submission:

Labcorp Genetics (formerly Invitae), Labcorp
Classification: Uncertain significance for Hereditary spastic paraplegia 30; Neuropathy, hereditary sensory, type 2C; Intellectual disability, autosomal dominant 9. Last evaluated: 2021-10-16. Review status: criteria provided, single submitter. Criteria: Invitae Variant Classification Sherloc (09022015). Collection method: clinical testing. Allele origin: germline.
Comment: In summary, the available evidence is currently insufficient to determine the role of this variant in disease. Therefore, it has been classified as a Variant of Uncertain Significance. Algorithms developed to predict the effect of missense changes on protein structure and function (SIFT, PolyPhen-2, Align-GVGD) all suggest that this variant is likely to be tolerated. This variant has not been reported in the literature in individuals affected with KIF1A-related conditions. This variant is not present in population databases (ExAC no frequency). This sequence change replaces leucine with proline at codon 708 of the KIF1A protein (p.Leu708Pro). The leucine residue is highly conserved and there is a moderate physicochemical difference between leucine and proline.